The following is an entry in ClinVar:

NM_001267550.2(TTN):c.54320dup (p.Ser18108fs)

Genes: TTN (titin; minus strand), TTN-AS1 (TTN antisense RNA 1; plus strand). Cytogenetic location: 2q31.2.
Variant type: Duplication.
Coding change: c.54320dup on transcript NM_001267550.2 (MANE Select); coding-DNA position 54320, one base duplicated (C; older notation c.54320dupC).
Protein change: p.Ser18108fs; shifts the reading frame from serine 18108.
Molecular consequence: frameshift variant. On other transcripts: non-coding transcript variant (1).
Genome position (GRCh38, 1-based): chr2:178,604,769, G duplicated on the plus strand (C on the coding strand, the reverse complement: TTN is on the minus strand). VCF-style (leftmost placement, unchanged base first): chr2-178604768-T-TG. GRCh37 (hg19) VCF-style: chr2-179469495-T-TG.
Other names: c.49397dup, p.Ser16467fs (NM_001256850.1); c.27125dup, p.Ser9043fs (NM_003319.4); c.46616dup, p.Ser15540fs (NM_133378.4); c.27500dup, p.Ser9168fs (NM_133432.3); c.27701dup, p.Ser9235fs (NM_133437.4); c.27125dupC (NM_003319.4); short protein forms S15540fs, S9168fs, S9235fs, S16467fs, S9043fs, S18108fs.
Identifiers: ClinVar variation 855738 (VCV000855738.12), dbSNP rs2054384043, ClinGen allele CA916081359.

ClinVar aggregate classification (germline): Likely pathogenic. Review status: criteria provided, multiple submitters, no conflicts (2 of 4 stars). 2 submissions from 2 submitters: Likely pathogenic (2). Last evaluated 2020-08-26.

Conditions:
Dilated cardiomyopathy 1G (CMD1G). Identifiers: Orphanet 154, MedGen C1858763, MONDO:0011400, OMIM 604145.
Autosomal recessive limb-girdle muscular dystrophy type 2J (LGMDR10). Also called: Limb-girdle muscular dystrophy, type 2J; MUSCULAR DYSTROPHY, LIMB-GIRDLE, AUTOSOMAL RECESSIVE 10. Identifiers: Orphanet 140922, MedGen C1837342, MONDO:0012127, OMIM 608807.
Cardiovascular phenotype. Identifiers: MedGen CN230736.

Submissions (2):

Ambry Genetics
Classification: Likely pathogenic for Cardiovascular phenotype. Last evaluated: 2020-08-26. Review status: criteria provided, single submitter. Criteria: Ambry Variant Classification Scheme 2023. Collection method: clinical testing. Allele origin: germline.
Comment: The c.27125dupC variant, located in coding exon 108 of the TTN gene, results from a duplication of C at nucleotide position 27125, causing a translational frameshift with a predicted alternate stop codon (p.S9043Kfs*2). This exon is located in the A-band region of the N2-B isoform of the titin protein and is constitutively expressed in TTN transcripts (percent spliced in or PSI 100%). This alteration is expected to result in loss of function by premature protein truncation or nonsense-mediated mRNA decay. While truncating variants in TTN are present in 1-3% of the general population, truncating variants in the A-band are the most common cause of dilated cardiomyopathy (DCM) (Herman DS et al. N. Engl. J. Med., 2012 Feb;366:619-28; Roberts AM et al. Sci Transl Med, 2015 Jan;7:270ra6). TTN truncating variants encoded in constitutive exons (PSI >90%) have been found to be significantly associated with DCM regardless of their position in titin (Schafer S et al. Nat. Genet., 2017 01;49:46-53). As such, this alteration is classified as likely pathogenic.

Labcorp Genetics (formerly Invitae), Labcorp
Classification: Likely pathogenic for Dilated cardiomyopathy 1G; Autosomal recessive limb-girdle muscular dystrophy type 2J. Last evaluated: 2019-11-28. Review status: criteria provided, single submitter. Criteria: Invitae Variant Classification Sherloc (09022015). Collection method: clinical testing. Allele origin: germline.
Comment: In summary, the currently available evidence indicates that the variant is pathogenic, but additional data are needed to prove that conclusively. Therefore, this variant has been classified as Likely Pathogenic. This variant is located in the A band of TTN (PMID: 25589632). Truncating variants in this region are significantly overrepresented in patients affected with dilated cardiomyopathy (PMID: 25589632). Truncating variants in this region have also been reported in individuals affected with autosomal recessive centronuclear myopathy (PMID: 23975875). This variant has not been reported in the literature in individuals with TTN-related conditions. This variant is not present in population databases (ExAC no frequency). This sequence change results in a premature translational stop signal in the TTN gene (p.Ser18108Lysfs*2). While this is not anticipated to result in nonsense mediated decay, it is expected to create a truncated TTN protein.

Literature cited by the submitters: PubMed 25589632 (cited by Labcorp Genetics (formerly Invitae), Labcorp); PubMed 23975875 (cited by Labcorp Genetics (formerly Invitae), Labcorp).